The following is an entry in ClinVar:

ClinVar aggregate classification (germline): Uncertain significance (1 of 4 stars; one submission).

Submission:

Labcorp Genetics (formerly Invitae), Labcorp
Classification: Uncertain significance. Last evaluated: 2022-08-12. Review status: criteria provided, single submitter. Criteria: Invitae Variant Classification Sherloc (09022015). Collection method: clinical testing. Allele origin: germline.
Comment: This sequence change replaces alanine, which is neutral and non-polar, with glycine, which is neutral and non-polar, at codon 67 of the TSEN54 protein (p.Ala67Gly). This variant is not present in population databases (gnomAD no frequency). This variant has not been reported in the literature in individuals affected with TSEN54-related conditions. Algorithms developed to predict the effect of missense changes on protein structure and function are either unavailable or do not agree on the potential impact of this missense change (SIFT: "Tolerated"; PolyPhen-2: "Possibly Damaging"; Align-GVGD: "Class C0"). In summary, the available evidence is currently insufficient to determine the role of this variant in disease. Therefore, it has been classified as a Variant of Uncertain Significance.

NM_207346.3(TSEN54):c.200C>G (p.Ala67Gly)

Gene: TSEN54 (tRNA splicing endonuclease subunit 54; plus strand). Cytogenetic location: 17q25.1.
Variant type: single nucleotide variant.
Coding change: c.200C>G on transcript NM_207346.3 (MANE Select); coding-DNA position 200, C replaced by G.
Protein change: p.Ala67Gly; replaces alanine 67 with glycine.
Molecular consequence: missense variant.
Genome position (GRCh38, 1-based): chr17:75,516,889, C>G. VCF-style: chr17-75516889-C-G. GRCh37 (hg19) VCF-style: chr17-73512970-C-G.
Other names: short protein forms A67G.
Identifiers: ClinVar variation 2162551 (VCV002162551.1), dbSNP rs1326441166, ClinGen allele CA401027198.
Genomic context (GRCh38, chr17:75,516,889, plus strand): 5'-GCTCGGCAGCTCAGGCCGAGCGGCTGCGCCGGTGCCGGGAAGAGCTCTGGCAGCTGCTGG[C>G]AGAGCAGCGCGTGGAGCGCCTGTGAGAGGGGCGGGCCCAGGGGTAAGGGAAGCGGGGGCG-3'
Protein context (NP_997229.2, residues 57-77): RCREELWQLL[Ala67Gly]EQRVERLGSL